The following is an entry in ClinVar:

ClinVar aggregate classification (germline): Benign. Review status: criteria provided, multiple submitters, no conflicts (2 of 4 stars). 3 submissions from 3 submitters: Benign (3). Last evaluated 2021-07-30.

Conditions:
Leukoencephalopathy-thalamus and brainstem anomalies-high lactate syndrome. Also called: LEUKOENCEPHALOPATHY WITH THALAMUS AND BRAINSTEM INVOLVEMENT AND HIGH LACTATE; Combined oxidative phosphorylation deficiency 12. Identifiers: Orphanet 314051, MedGen C4706421, MONDO:0013971, OMIM 614924.

Allele frequency attached by ClinVar (database versions not stated): 1000 Genomes Project 30x 0.02826; 1000 Genomes Project 0.02935; TOPMed 0.05662; gnomAD 0.06593 and 0.06846; gnomAD exomes 0.06745 and 0.08349; ExAC 0.06956; ESP Exome Variant Server 0.07022.

Submissions (3):

Genome-Nilou Lab
Classification: Benign for Leukoencephalopathy-thalamus and brainstem anomalies-high lactate syndrome. Last evaluated: 2021-07-30. Review status: criteria provided, single submitter. Criteria: ACMG Guidelines, 2015. Collection method: clinical testing. Allele origin: germline. Affected: no.

GeneDx
Classification: Benign. Last evaluated: 2018-06-14. Review status: criteria provided, single submitter. Criteria: GeneDx Variant Classification (06012015). Collection method: clinical testing. Allele origin: germline. Affected: yes.
Comment: This variant is considered likely benign or benign based on one or more of the following criteria: it is a conservative change, it occurs at a poorly conserved position in the protein, it is predicted to be benign by multiple in silico algorithms, and/or has population frequency not consistent with disease.

Breakthrough Genomics
Classification: Benign. Review status: criteria provided, single submitter. Criteria: ACMG Guidelines, 2015. Collection method: not provided. Allele origin: germline. Inheritance: Autosomal recessive inheritance. Affected: yes.

NM_001083614.2(EARS2):c.1488+34G>A

Gene: EARS2 (glutamyl-tRNA synthetase 2, mitochondrial; minus strand). Cytogenetic location: 16p12.2.
Variant type: single nucleotide variant.
Coding change: c.1488+34G>A on transcript NM_001083614.2 (MANE Select); 34 bases into the intron after coding-DNA position 1488, G replaced by A.
Molecular consequence: intron variant. On other transcripts: missense variant (1).
Genome position (GRCh38, 1-based): chr16:23,525,210, C>T on the plus strand (G>A on the coding strand, the complement: EARS2 is on the minus strand). VCF-style: chr16-23525210-C-T. GRCh37 (hg19) VCF-style: chr16-23536531-C-T.
Other names: c.1522G>A, p.Glu508Lys (NM_001308211.1); short protein forms E508K.
Identifiers: ClinVar variation 671646 (VCV000671646.5), dbSNP rs75133940, ClinGen allele CA7962283.